The following is an entry in ClinVar:

ClinVar aggregate classification (germline): Likely benign. Review status: criteria provided, multiple submitters, no conflicts (2 of 4 stars). 2 submissions from 2 submitters: Likely benign (2). Last evaluated 2026-07-06.

Conditions:
Rhabdoid tumor predisposition syndrome 2 (RTPS2). Identifiers: Orphanet 231108, Orphanet 69077, MedGen C2750074, MONDO:0013224, OMIM 613325.

gnomAD v4.1: 7 of 1,613,094 alleles (0.00043%); highest among the groups gnomAD compares: South Asian, 0.0055%; no homozygotes.

Submissions (2):

Myriad Genetics, Inc.
Classification: Likely benign for Rhabdoid tumor predisposition syndrome 2. Last evaluated: 2026-07-06. Review status: criteria provided, single submitter. Criteria: Myriad Autosomal Dominant, Autosomal Recessive and X-Linked Classification Criteria (2023). Collection method: clinical testing. Allele origin: unknown.
Comment: This variant is considered likely benign. This variant is intronic and is not expected to impact mRNA splicing.

Labcorp Genetics (formerly Invitae), Labcorp
Classification: Likely benign for Rhabdoid tumor predisposition syndrome 2. Last evaluated: 2025-01-16. Review status: criteria provided, single submitter. Criteria: Invitae Variant Classification Sherloc (09022015). Collection method: clinical testing. Allele origin: germline.

NM_003072.5(SMARCA4):c.860-10C>T

Gene: SMARCA4 (SWI/SNF related BAF chromatin remodeling complex subunit ATPase 4; plus strand). Cytogenetic location: 19p13.2.
Variant type: single nucleotide variant.
Coding change: c.860-10C>T on transcript NM_003072.5 (MANE Select); 10 bases into the intron before coding-DNA position 860, C replaced by T.
Molecular consequence: intron variant.
Genome position (GRCh38, 1-based): chr19:10,987,656, C>T. VCF-style: chr19-10987656-C-T. GRCh37 (hg19) VCF-style: chr19-11098332-C-T.
Other names: c.860-10C>T (NM_001128844.3, NM_001128849.3, NM_001128847.4 and 4 more transcripts).
Identifiers: ClinVar variation 795294 (VCV000795294.11), dbSNP rs777131262, ClinGen allele CA632115175.